The following is an entry in ClinVar:

ClinVar aggregate classification (germline): Uncertain significance. Review status: criteria provided, multiple submitters, no conflicts (2 of 4 stars). 2 submissions from 2 submitters: Uncertain significance (2). Last evaluated 2025-04-17.

Conditions:
Familial thoracic aortic aneurysm and aortic dissection (TAAD). Also called: Thoracic aortic aneurysms and dissections. Identifiers: Orphanet 91387, MedGen C4707243, MONDO:0019625.
Congenital contractural arachnodactyly (CCA). Also called: BEALS SYNDROME; Arthrogryposis, distal, type 9; Beals-Hecht syndrome. Identifiers: Orphanet 115, MedGen C0220668, MONDO:0007363, OMIM 121050.

Allele frequency attached by ClinVar (database versions not stated): gnomAD exomes below 0.00001.
gnomAD v4.1: 5 of 1,614,156 alleles (0.00031%); highest among the groups gnomAD compares: African/African-American, 0.0013%; no homozygotes.

Submissions (2):

Labcorp Genetics (formerly Invitae), Labcorp
Classification: Uncertain significance for Congenital contractural arachnodactyly. Last evaluated: 2025-04-17. Review status: criteria provided, single submitter. Criteria: Invitae Variant Classification Sherloc (09022015). Collection method: clinical testing. Allele origin: germline.
Comment: This sequence change replaces phenylalanine, which is neutral and non-polar, with leucine, which is neutral and non-polar, at codon 1020 of the FBN2 protein (p.Phe1020Leu). This variant is not present in population databases (gnomAD no frequency). This variant has not been reported in the literature in individuals affected with FBN2-related conditions. ClinVar contains an entry for this variant (Variation ID: 947336). Invitae Evidence Modeling of protein sequence and biophysical properties (such as structural, functional, and spatial information, amino acid conservation, physicochemical variation, residue mobility, and thermodynamic stability) indicates that this missense variant is not expected to disrupt FBN2 protein function with a negative predictive value of 80%. In summary, the available evidence is currently insufficient to determine the role of this variant in disease. Therefore, it has been classified as a Variant of Uncertain Significance.

Ambry Genetics
Classification: Uncertain significance for Familial thoracic aortic aneurysm and aortic dissection. Last evaluated: 2022-01-11. Review status: criteria provided, single submitter. Criteria: Ambry Variant Classification Scheme 2023. Collection method: clinical testing. Allele origin: germline.
Comment: The p.F1020L variant (also known as c.3058T>C), located in coding exon 24 of the FBN2 gene, results from a T to C substitution at nucleotide position 3058. The phenylalanine at codon 1020 is replaced by leucine, an amino acid with highly similar properties. This amino acid position is not well conserved in available vertebrate species. In addition, the in silico prediction for this alteration is inconclusive. Since supporting evidence is limited at this time, the clinical significance of this alteration remains unclear.

NM_001999.4(FBN2):c.3058T>C (p.Phe1020Leu)

Genes: FBN2 (fibrillin 2; minus strand), LOC126807501 (BRD4-independent group 4 enhancer GRCh37_chr5:127680731-127681930; plus strand). Cytogenetic location: 5q23.3.
Variant type: single nucleotide variant.
Coding change: c.3058T>C on transcript NM_001999.4 (MANE Select); coding-DNA position 3058, T replaced by C.
Protein change: p.Phe1020Leu; replaces phenylalanine 1020 with leucine.
Molecular consequence: missense variant.
Genome position (GRCh38, 1-based): chr5:128,345,516, A>G on the plus strand (T>C on the coding strand, the complement: FBN2 is on the minus strand). VCF-style: chr5-128345516-A-G. GRCh37 (hg19) VCF-style: chr5-127681208-A-G.
Other names: short protein forms F1020L.
Identifiers: ClinVar variation 947336 (VCV000947336.12), dbSNP rs984782865, ClinGen allele CA127019010.
Genomic context (GRCh38, chr5:128,345,516, plus strand): 5'-ACTCCTCACACTCGGTGCCCCAAGCCGCCCCGACAGCACAGCAGCAGGCATCCATGCGGA[A>G]CTTTCCAGGAACGGGGTGGATGCATTCATCTTCATCCCACTTCAAGTAACACTGCTCCAT-3'
Protein context (NP_001990.2, residues 1010-1030): DECIHPVPGK[Phe1020Leu]RMDACCCAVG